The following is an entry in ClinVar:

ClinVar aggregate classification (germline): Benign (1 of 4 stars; one submission).

Conditions:
Autosomal recessive congenital ichthyosis 6 (ARCI6). Identifiers: Orphanet 313, Orphanet 79394, MedGen C2677065, MONDO:0012847, OMIM 612281.

Allele frequency attached by ClinVar (database versions not stated): gnomAD 0.84570 and 0.84914; TOPMed 0.85083; gnomAD exomes 0.90000; 1000 Genomes Project 30x 0.90600; 1000 Genomes Project 0.90695.
gnomAD v4.1: 129,213 of 152,254 alleles (85%); highest among the groups gnomAD compares: East Asian, 100%; 55,324 homozygotes.

Submission:

Illumina Laboratory Services, Illumina
Classification: Benign for Autosomal recessive congenital ichthyosis 6. Last evaluated: 2018-01-13. Review status: criteria provided, single submitter. Criteria: ICSL Variant Classification Criteria 13 December 2019. Collection method: clinical testing. Allele origin: germline.
Comment: This variant was observed in the ICSL laboratory as part of a predisposition screen in an ostensibly healthy population. It had not been previously curated by ICSL or reported in the Human Gene Mutation Database (HGMD: prior to June 1st, 2018), and was therefore a candidate for classification through an automated scoring system. Utilizing variant allele frequency, disease prevalence and penetrance estimates, and inheritance mode, an automated score was calculated to assess if this variant is too frequent to cause the disease. Based on the score and internal cut-off values, a variant classified as benign is not then subjected to further curation. The score for this variant resulted in a classification of benign for this disease.

NM_001099287.2(NIPAL4):c.*1356T>C

Gene: NIPAL4 (NIPA like domain containing 4; plus strand). Cytogenetic location: 5q33.3.
Variant type: single nucleotide variant.
Coding change: c.*1356T>C on transcript NM_001099287.2 (MANE Select); 1356 bases downstream of the stop codon, T replaced by C.
Molecular consequence: 3 prime UTR variant.
Genome position (GRCh38, 1-based): chr5:157,474,316, T>C. VCF-style: chr5-157474316-T-C. GRCh37 (hg19) VCF-style: chr5-156901324-T-C.
Other names: c.*1356T>C (NM_001172292.2).
Identifiers: ClinVar variation 352543 (VCV000352543.5), dbSNP rs6556051, ClinGen allele CA10621119.